The following is an entry in ClinVar:

NM_147127.5(EVC2):c.2621G>A (p.Arg874Gln)

Gene: EVC2 (EvC ciliary complex subunit 2; minus strand). Cytogenetic location: 4p16.2.
Variant type: single nucleotide variant.
Coding change: c.2621G>A on transcript NM_147127.5 (MANE Select); coding-DNA position 2621, G replaced by A.
Protein change: p.Arg874Gln; replaces arginine 874 with glutamine.
Molecular consequence: missense variant.
Genome position (GRCh38, 1-based): chr4:5,618,563, C>T on the plus strand (G>A on the coding strand, the complement: EVC2 is on the minus strand). VCF-style: chr4-5618563-C-T. GRCh37 (hg19) VCF-style: chr4-5620290-C-T.
Other names: c.2381G>A, p.Arg794Gln (NM_001166136.2); short protein forms R874Q, R794Q.
Identifiers: ClinVar variation 286560 (VCV000286560.23), dbSNP rs114764023, ClinGen allele CA2834646.
Genomic context (GRCh38, chr4:5,618,563, plus strand): 5'-TGGTCCAGCTTCACGAACTCTGCTTCTCGCCACGCAGTCTGAAATTGCTGCAGCAGAACT[C>T]GGGCCCGGATCTTGGGGAGGGCCAAGCTCCTGTCCATCTGAGCAAAGCAGCCATGGACCT-3'
Protein context (NP_667338.3, residues 864-884): RSLALPKIRA[Arg874Gln]VLLQQFQTAW

ClinVar aggregate classification (germline): Benign/Likely benign. Review status: criteria provided, multiple submitters, no conflicts (2 of 4 stars). 6 submissions from 6 submitters: Benign (1); Likely benign (4). 1 of the submissions does not count toward it. Last evaluated 2026-02-04.

Conditions:
Curry-Hall syndrome (WAD). Also called: WEYERS ACRODENTAL DYSOSTOSIS. Identifiers: Orphanet 952, MedGen C0457013, MONDO:0008673, OMIM 193530.
Ellis-van Creveld syndrome (EVC). Also called: MESOECTODERMAL DYSPLASIA; Chondroectodermal dysplasia. Identifiers: Orphanet 289, MedGen C0013903, MONDO:0009162, OMIM 225500.
EVC2-related disorder. Also called: EVC2-related condition.

Allele frequency attached by ClinVar (database versions not stated): gnomAD exomes 0.00059; ExAC 0.00078; ESP Exome Variant Server 0.00284; 1000 Genomes Project 30x 0.00297; 1000 Genomes Project 0.00300; TOPMed 0.00320; gnomAD 0.00325.

Submissions (6):

Labcorp Genetics (formerly Invitae), Labcorp
Classification: Benign for Curry-Hall syndrome; Ellis-van Creveld syndrome. Last evaluated: 2026-02-04. Review status: criteria provided, single submitter. Criteria: Invitae Variant Classification Sherloc (09022015). Collection method: clinical testing. Allele origin: germline.

Blueprint Genetics
Classification: Likely benign. Last evaluated: 2024-10-08. Review status: criteria provided, single submitter. Criteria: ACMG Guidelines, 2015. Collection method: clinical testing. Allele origin: germline.

Illumina Laboratory Services, Illumina
Classification: Likely benign for Ellis-van Creveld syndrome. Last evaluated: 2018-01-13. Review status: criteria provided, single submitter. Criteria: ICSL Variant Classification Criteria 13 December 2019. Collection method: clinical testing. Allele origin: germline.
Comment: This variant was observed in the ICSL laboratory as part of a predisposition screen in an ostensibly healthy population. It had not been previously curated by ICSL or reported in the Human Gene Mutation Database (HGMD: prior to June 1st, 2018), and was therefore a candidate for classification through an automated scoring system. Utilizing variant allele frequency, disease prevalence and penetrance estimates, and inheritance mode, an automated score was calculated to assess if this variant is too frequent to cause the disease. Based on the score and internal cut-off values, a variant classified as likely benign is not then subjected to further curation. The score for this variant resulted in a classification of likely benign for this disease.

GeneDx
Classification: Likely benign. Last evaluated: 2018-01-08. Review status: criteria provided, single submitter. Criteria: GeneDx Variant Classification (06012015). Collection method: clinical testing. Allele origin: germline. Affected: yes.
Comment: This variant is considered likely benign or benign based on one or more of the following criteria: it is a conservative change, it occurs at a poorly conserved position in the protein, it is predicted to be benign by multiple in silico algorithms, and/or has population frequency not consistent with disease.

Eurofins Ntd Llc (ga)
Classification: Likely benign. Last evaluated: 2016-03-04. Review status: criteria provided, single submitter. Criteria: EGL Classification Definitions 2015. Collection method: clinical testing. Allele origin: germline. Observed: 1 variant allele, 1 heterozygote.

PreventionGenetics, part of Exact Sciences
Classification: Benign for EVC2-related condition. Last evaluated: 2019-09-26. Review status: no assertion criteria provided. Collection method: clinical testing. Allele origin: germline. Not counted in ClinVar's aggregate classification.
Comment: This variant is classified as benign based on ACMG/AMP sequence variant interpretation guidelines (Richards et al. 2015 PMID: 25741868, with internal and published modifications).